The following is an entry in ClinVar:

ClinVar aggregate classification (germline): Likely benign. Review status: criteria provided, multiple submitters, no conflicts (2 of 4 stars). 2 submissions from 2 submitters: Likely benign (2). Last evaluated 2025-01-06.

Conditions:
Drash syndrome (DDS). Also called: WILMS TUMOR AND PSEUDO- OR TRUE HERMAPHRODITISM; NEPHROPATHY, WILMS TUMOR, AND GENITAL ANOMALIES. Identifiers: Orphanet 220, MedGen C0950121, MONDO:0008682, OMIM 194080.
Frasier syndrome. Identifiers: Orphanet 347, MedGen C0950122, MeSH D052159, MONDO:0007635, OMIM 136680.
Wilms tumor 1 (WT1). Also called: Wilms tumor, somatic. Identifiers: Orphanet 654, MedGen CN033288, MONDO:0008679, OMIM 194070.
11p partial monosomy syndrome (WAGR). Also called: WAGR Spectrum Disorder; WAGR Complex; CHROMOSOME 11p13 DELETION SYNDROME; WAGR syndrome. Identifiers: Orphanet 893, MedGen C0206115, MONDO:0008681, OMIM 194072.

gnomAD v4.1: 1 of 1,532,812 alleles (0.000065%); highest among the groups gnomAD compares: Non-Finnish European, 0.000087%; no homozygotes.

Submissions (2):

Labcorp Genetics (formerly Invitae), Labcorp
Classification: Likely benign for Wilms tumor 1; Drash syndrome; 11p partial monosomy syndrome; Frasier syndrome. Last evaluated: 2025-01-06. Review status: criteria provided, single submitter. Criteria: Invitae Variant Classification Sherloc (09022015). Collection method: clinical testing. Allele origin: germline.

All of Us Research Program, National Institutes of Health
Classification: Likely benign for Wilms tumor 1. Last evaluated: 2024-08-13. Review status: criteria provided, single submitter. Criteria: ACMG Guidelines, 2015. Collection method: clinical testing. Allele origin: germline. Inheritance: Autosomal dominant inheritance. Observed: 1 variant allele, 1 heterozygote.
Comment: This study involves interpretation of variants in research participants for the purpose of population health screening. Participant phenotype was not available at the time of variant classification. Additional details can be found in publication PMID: 35346344, PMCID: PMC8962531

NM_024426.6(WT1):c.51G>C (p.Pro17=)

Genes: WT1 (WT1 transcription factor; minus strand), LOC107982234 (WT1/WT1-AS bi-directional promoter region; plus strand). Cytogenetic location: 11p13.
Variant type: single nucleotide variant.
Coding change: c.51G>C on transcript NM_024426.6 (MANE Select); coding-DNA position 51, G replaced by C.
Protein change: p.Pro17=; no amino-acid change (proline 17 retained).
Molecular consequence: synonymous variant. On other transcripts: non-coding transcript variant (1).
Genome position (GRCh38, 1-based): chr11:32,435,310, C>G on the plus strand (G>C on the coding strand, the complement: WT1 is on the minus strand). VCF-style: chr11-32435310-C-G. GRCh37 (hg19) VCF-style: chr11-32456856-C-G.
Other names: c.51G>C, p.Pro17= (NM_000378.6, NM_024424.5).
Identifiers: ClinVar variation 1077951 (VCV001077951.10), dbSNP rs1590411695, ClinGen allele CA473773434.